The following is an entry in ClinVar:

NM_000553.6(WRN):c.4240G>A (p.Gly1414Arg)

Genes: WRN (WRN RecQ like helicase; plus strand), LOC126860342 (MED14-independent group 3 enhancer GRCh37_chr8:31029565-31030764; plus strand). Cytogenetic location: 8p12.
Variant type: single nucleotide variant.
Coding change: c.4240G>A on transcript NM_000553.6 (MANE Select); coding-DNA position 4240, G replaced by A.
Protein change: p.Gly1414Arg; replaces glycine 1414 with arginine.
Molecular consequence: missense variant.
Genome position (GRCh38, 1-based): chr8:31,173,043, G>A. VCF-style: chr8-31173043-G-A. GRCh37 (hg19) VCF-style: chr8-31030559-G-A.
Other names: short protein forms G1414R.
Identifiers: ClinVar variation 1524013 (VCV001524013.5), dbSNP rs747685773, ClinGen allele CA370911708.

ClinVar aggregate classification (germline): Uncertain significance (1 of 4 stars; one submission).

Conditions:
Werner syndrome (WRN). Identifiers: Orphanet 902, MedGen C0043119, MONDO:0010196, OMIM 277700.

Allele frequency attached by ClinVar (database versions not stated): TOPMed below 0.00001.
gnomAD v4.1: 2 of 1,614,026 alleles (0.00012%); highest among the groups gnomAD compares: Admixed American, 0.0017%; no homozygotes.

Submission:

Labcorp Genetics (formerly Invitae), Labcorp
Classification: Uncertain significance for Werner syndrome. Last evaluated: 2022-11-01. Review status: criteria provided, single submitter. Criteria: Invitae Variant Classification Sherloc (09022015). Collection method: clinical testing. Allele origin: germline.
Comment: This sequence change replaces glycine, which is neutral and non-polar, with arginine, which is basic and polar, at codon 1414 of the WRN protein (p.Gly1414Arg). This variant is not present in population databases (gnomAD no frequency). This variant has not been reported in the literature in individuals affected with WRN-related conditions. ClinVar contains an entry for this variant (Variation ID: 1524013). Algorithms developed to predict the effect of missense changes on protein structure and function output the following: SIFT: "Not Available"; PolyPhen-2: "Benign"; Align-GVGD: "Not Available". The arginine amino acid residue is found in multiple mammalian species, which suggests that this missense change does not adversely affect protein function. In summary, the available evidence is currently insufficient to determine the role of this variant in disease. Therefore, it has been classified as a Variant of Uncertain Significance.